The following is an entry in ClinVar:

NM_182760.4(SUMF1):c.616G>A (p.Val206Ile)

Gene: SUMF1 (sulfatase modifying factor 1; minus strand). Cytogenetic location: 3p26.1.
Variant type: single nucleotide variant.
Coding change: c.616G>A on transcript NM_182760.4 (MANE Select); coding-DNA position 616, G replaced by A.
Protein change: p.Val206Ile; replaces valine 206 with isoleucine.
Molecular consequence: missense variant.
Genome position (GRCh38, 1-based): chr3:4,418,119, C>T on the plus strand (G>A on the coding strand, the complement: SUMF1 is on the minus strand). VCF-style: chr3-4418119-C-T. GRCh37 (hg19) VCF-style: chr3-4459803-C-T.
Other names: c.541G>A, p.Val181Ile (NM_001164674.2); c.616G>A, p.Val206Ile (NM_001164675.2); short protein forms V206I, V181I.
Identifiers: ClinVar variation 1524873 (VCV001524873.5), dbSNP rs1303958118, ClinGen allele CA351632782.

ClinVar aggregate classification (germline): Uncertain significance (1 of 4 stars; one submission).

Conditions:
Multiple sulfatase deficiency (MSD). Also called: Mucosulfatidosis; Multiple Sulfatase Deficiency Disease; Sulfatidosis, Juvenile, Austin Type. Identifiers: Orphanet 585, MedGen C0268263, MONDO:0010088, OMIM 272200.

Allele frequency attached by ClinVar (database versions not stated): gnomAD exomes below 0.00001; TOPMed 0.00001; gnomAD 0.00002.

Submission:

Labcorp Genetics (formerly Invitae), Labcorp
Classification: Uncertain significance for Multiple sulfatase deficiency. Last evaluated: 2021-09-30. Review status: criteria provided, single submitter. Criteria: Invitae Variant Classification Sherloc (09022015). Collection method: clinical testing. Allele origin: germline.
Comment: This sequence change replaces valine with isoleucine at codon 206 of the SUMF1 protein (p.Val206Ile). The valine residue is highly conserved and there is a small physicochemical difference between valine and isoleucine. This variant is not present in population databases (ExAC no frequency). This variant has not been reported in the literature in individuals with SUMF1-related conditions. Algorithms developed to predict the effect of missense changes on protein structure and function are either unavailable or do not agree on the potential impact of this missense change (SIFT: "Deleterious"; PolyPhen-2: "Benign"; Align-GVGD: "Class C25"). In summary, the available evidence is currently insufficient to determine the role of this variant in disease. Therefore, it has been classified as a Variant of Uncertain Significance.